The following is an entry in ClinVar:

NM_004369.4(COL6A3):c.3355A>T (p.Ile1119Phe)

Gene: COL6A3 (collagen type VI alpha 3 chain; minus strand). Cytogenetic location: 2q37.3.
Variant type: single nucleotide variant.
Coding change: c.3355A>T on transcript NM_004369.4 (MANE Select); coding-DNA position 3355, A replaced by T.
Protein change: p.Ile1119Phe; replaces isoleucine 1119 with phenylalanine.
Molecular consequence: missense variant.
Genome position (GRCh38, 1-based): chr2:237,374,736, T>A on the plus strand (A>T on the coding strand, the complement: COL6A3 is on the minus strand). VCF-style: chr2-237374736-T-A. GRCh37 (hg19) VCF-style: chr2-238283379-T-A.
Other names: c.2134A>T, p.Ile712Phe (NM_057164.5); c.2737A>T, p.Ile913Phe (NM_057165.5, NM_057167.4); c.1534A>T, p.Ile512Phe (NM_057166.5); short protein forms I1119F, I512F, I712F, I913F.
Identifiers: ClinVar variation 3364227 (VCV003364227.1).

ClinVar aggregate classification (germline): Uncertain significance (1 of 4 stars; one submission).

gnomAD v4.1: 1 of 1,613,434 alleles (0.000062%); highest among the groups gnomAD compares: Admixed American, 0.0017%; no homozygotes.

Submission:

GeneDx
Classification: Uncertain significance. Last evaluated: 2023-11-14. Review status: criteria provided, single submitter. Criteria: GeneDx Variant Classification Process June 2021. Collection method: clinical testing. Allele origin: germline. Affected: yes.
Comment: Not observed at significant frequency in large population cohorts (gnomAD); In silico analysis supports that this missense variant has a deleterious effect on protein structure/function; Has not been previously published as pathogenic or benign to our knowledge